The following is an entry in ClinVar:

NM_032737.4(LMNB2):c.293C>T (p.Ser98Leu)

Gene: LMNB2 (lamin B2; minus strand). Cytogenetic location: 19p13.3.
Variant type: single nucleotide variant.
Coding change: c.293C>T on transcript NM_032737.4 (MANE Select); coding-DNA position 293, C replaced by T.
Protein change: p.Ser98Leu; replaces serine 98 with leucine.
Molecular consequence: missense variant.
Genome position (GRCh38, 1-based): chr19:2,444,512, G>A on the plus strand (C>T on the coding strand, the complement: LMNB2 is on the minus strand). VCF-style: chr19-2444512-G-A. GRCh37 (hg19) VCF-style: chr19-2444510-G-A.
Other names: short protein forms S98L.
Identifiers: ClinVar variation 2930412 (VCV002930412.3), dbSNP rs200680198, ClinGen allele CA9067943.

ClinVar aggregate classification (germline): Uncertain significance (1 of 4 stars; one submission).

Conditions:
Progressive myoclonic epilepsy type 9. Identifiers: Orphanet 457265, MedGen C4225289, MONDO:0014685, OMIM 616540.
Lipodystrophy, partial, acquired, susceptibility to (APLD). Also called: APLD, SUSCEPTIBILITY TO. Identifiers: MedGen C3887501, MONDO:0100476, OMIM 608709.

Allele frequency attached by ClinVar (database versions not stated): TOPMed below 0.00001; ExAC 0.00001; gnomAD 0.00001; gnomAD exomes 0.00001; 1000 Genomes Project 30x 0.00016; 1000 Genomes Project 0.00020.
gnomAD v4.1: 14 of 1,612,126 alleles (0.00087%); highest among the groups gnomAD compares: East Asian, 0.0022%; no homozygotes.

Submission:

Labcorp Genetics (formerly Invitae), Labcorp
Classification: Uncertain significance for Progressive myoclonic epilepsy type 9; Lipodystrophy, partial, acquired, susceptibility to. Last evaluated: 2024-05-15. Review status: criteria provided, single submitter. Criteria: Invitae Variant Classification Sherloc (09022015). Collection method: clinical testing. Allele origin: germline.
Comment: This sequence change replaces serine, which is neutral and polar, with leucine, which is neutral and non-polar, at codon 98 of the LMNB2 protein (p.Ser98Leu). This variant is present in population databases (rs200680198, gnomAD 0.005%). This variant has not been reported in the literature in individuals affected with LMNB2-related conditions. Advanced modeling of protein sequence and biophysical properties (such as structural, functional, and spatial information, amino acid conservation, physicochemical variation, residue mobility, and thermodynamic stability) performed at Invitae indicates that this missense variant is not expected to disrupt LMNB2 protein function with a negative predictive value of 80%. In summary, the available evidence is currently insufficient to determine the role of this variant in disease. Therefore, it has been classified as a Variant of Uncertain Significance.